The following is an entry in ClinVar:

NM_001003841.3(SLC6A19):c.1701+1G>A

Gene: SLC6A19 (solute carrier family 6 member 19; plus strand). Cytogenetic location: 5p15.33.
Variant type: single nucleotide variant.
Coding change: c.1701+1G>A on transcript NM_001003841.3 (MANE Select); the canonical splice donor site of the intron after coding-DNA position 1701, G replaced by A.
Molecular consequence: splice donor variant.
Genome position (GRCh38, 1-based): chr5:1,221,314, G>A. VCF-style: chr5-1221314-G-A. GRCh37 (hg19) VCF-style: chr5-1221429-G-A.
Identifiers: ClinVar variation 623442 (VCV000623442.11), dbSNP rs756010661, ClinGen allele CA3183254.
Genomic context (GRCh38, chr5:1,221,314, plus strand): 5'-TTCTTCTTCGTGGTAGAGGTCAGTCAGGAGCTGACCTACAGCATCTGGGACCCTGGCTAC[G>A]TAAGTGTCCAGGCAGTCGCCTGGGGTGGGGAGAGGAATGGGGAAGGGGAAAGGAGGACAC-3'

ClinVar aggregate classification (germline): Conflicting classifications of pathogenicity. Review status: criteria provided, conflicting classifications (1 of 4 stars). 8 submissions from 8 submitters: Likely pathogenic (3); Uncertain significance (4). 1 of the submissions does not count toward it. Last evaluated 2026-03-30.

Conditions:
High myopia. Also called: Severe Myopia. Identifiers: MedGen C0271183, HP:0011003.
Neutral 1 amino acid transport defect (HND). Also called: HARTNUP DISORDER; Hartnup disease. Identifiers: Orphanet 2116, MedGen C0018609, MONDO:0009324, OMIM 234500.
Hyperglycinuria. Also called: GLYCINURIA WITH OR WITHOUT OXALATE NEPHROLITHIASIS; GLYCINURIA WITH OR WITHOUT OXALATE UROLITHIASIS; IMINOGLYCINURIA TYPE II. Identifiers: MedGen C0543541, MONDO:0007677, OMIM 138500, HP:0003108.

Allele frequency attached by ClinVar (database versions not stated): gnomAD exomes 0.00003; gnomAD 0.00005; ExAC 0.00006; TOPMed 0.00006.
gnomAD v4.1: 63 of 1,613,244 alleles (0.0039%); highest among the groups gnomAD compares: Non-Finnish European, 0.0045%; no homozygotes.

Submissions (8):

GeneDx
Classification: Likely pathogenic. Last evaluated: 2026-03-30. Review status: criteria provided, single submitter. Criteria: GeneDx Variant Classification Process June 2021. Collection method: clinical testing. Allele origin: germline.
Comment: Canonical splice site variant predicted to result in a null allele in a gene for which loss of function is a known mechanism of disease; This variant is associated with the following publications: (PMID: 25525159, 15286788, 18484095)

Dasa
Classification: Uncertain significance for Neutral 1 amino acid transport defect. Last evaluated: 2025-10-22. Review status: criteria provided, single submitter. Criteria: DASA Assertion Criteria. Collection method: clinical testing. Allele origin: germline.
Comment: NM_001003841.3(SLC6A19):c.1701+1G>A affects a canonical splice site and is predicted to disrupt normal RNA splicing. This variant has been reported in individuals with Neutral 1 amino acid transport defect (PMID: 15286788). Also, this variant is rare in population databases. The currently available literature and clinical evidence are not sufficient to establish a definitive association between this variant and the reported condition. Therefore, this variant is classified as a variant of uncertain significance.

Women's Health and Genetics/Laboratory Corporation of America, LabCorp
Classification: Uncertain significance. Last evaluated: 2025-05-13. Review status: criteria provided, single submitter. Criteria: LabCorp Variant Classification Summary - May 2015. Collection method: clinical testing. Allele origin: germline.
Comment: Variant summary: SLC6A19 c.1701+1G>A is located in a canonical splice-site and is predicted to affect mRNA splicing resulting in a significantly altered protein due to either exon skipping, shortening, or inclusion of intronic material. Variants that disrupt the consensus splice site are a relatively common cause of aberrant splicing and loss of SLC6A19 function. Several computational tools predict a significant impact on normal splicing: Four predict the variant abolishes a canonical 5' splicing donor site. However, these predictions have yet to be confirmed by functional studies. The variant allele was found at a frequency of 2.8e-05 in 250564 control chromosomes (gnomAD). The available data on variant occurrences in the general population are insufficient to allow any conclusion about variant significance. c.1701+1G>A has been observed in an individual affected with Hartnup Disease (Seow_2004, Azmanov_2008). These data do not allow any conclusion about variant significance. To our knowledge, no experimental evidence demonstrating an impact on protein function has been reported. The following publications have been ascertained in the context of this evaluation (PMID: 15286788, 18484095). ClinVar contains an entry for this variant (Variation ID: 623442). Based on the evidence outlined above, the variant was classified as uncertain significance.

Fulgent Genetics
Classification: Likely pathogenic for Neutral 1 amino acid transport defect. Last evaluated: 2024-04-04. Review status: criteria provided, single submitter. Criteria: ACMG Guidelines, 2015. Collection method: clinical testing. Allele origin: germline.

Genomic Medicine Center of Excellence, King Faisal Specialist Hospital and Research Centre
Classification: Likely pathogenic for Neutral 1 amino acid transport defect. Last evaluated: 2024-03-26. Review status: criteria provided, single submitter. Criteria: ACMG Guidelines, 2015. Collection method: clinical testing. Allele origin: germline.

Labcorp Genetics (formerly Invitae), Labcorp
Classification: Uncertain significance. Last evaluated: 2022-09-01. Review status: criteria provided, single submitter. Criteria: Invitae Variant Classification Sherloc (09022015). Collection method: clinical testing. Allele origin: germline.
Comment: This sequence change affects a donor splice site in intron 11 of the SLC6A19 gene. While this variant is not anticipated to result in nonsense mediated decay, it likely alters RNA splicing and results in a disrupted protein product. This variant is present in population databases (rs756010661, gnomAD 0.006%). Disruption of this splice site has been observed in individual(s) with Hartnup disorder (PMID: 15286788). This variant is also known as IVS11+1A. ClinVar contains an entry for this variant (Variation ID: 623442). Variants that disrupt the consensus splice site are a relatively common cause of aberrant splicing (PMID: 17576681, 9536098). Algorithms developed to predict the effect of sequence changes on RNA splicing suggest that this variant may disrupt the consensus splice site. In summary, the available evidence is currently insufficient to determine the role of this variant in disease. Therefore, it has been classified as a Variant of Uncertain Significance.

Institute of Human Genetics, University of Leipzig Medical Center
Classification: Uncertain significance for Hyperglycinuria. Last evaluated: 2019-01-01. Review status: criteria provided, single submitter. Criteria: ACMG Guidelines, 2015. Collection method: clinical testing. Allele origin: unknown. Affected: yes.

Institute of Human Genetics, Polish Academy of Sciences
Classification: Uncertain significance for Severe Myopia. Last evaluated: 2018-12-17. Review status: no assertion criteria provided. Collection method: research. Allele origin: unknown. Affected: yes. Not counted in ClinVar's aggregate classification.

Literature cited by the submitters: PubMed 15286788 (cited by 3 submitters); PubMed 18484095 (cited by Women's Health and Genetics/Laboratory Corporation of America, LabCorp); PubMed 17576681 (cited by Labcorp Genetics (formerly Invitae), Labcorp); PubMed 9536098 (cited by Labcorp Genetics (formerly Invitae), Labcorp).